The following is an entry in ClinVar:

ClinVar aggregate classification (germline): Conflicting classifications of pathogenicity. Review status: criteria provided, conflicting classifications (1 of 4 stars). 3 submissions from 3 submitters: Uncertain significance (2); Likely benign (1). Last evaluated 2026-08-13.

Conditions:
Hereditary cancer-predisposing syndrome. Also called: Neoplastic Syndromes, Hereditary; Hereditary Cancer Syndrome; Hereditary neoplastic syndrome; Tumor predisposition. Identifiers: Orphanet 140162, MedGen C0027672, MeSH D009386, MONDO:0015356.

Allele frequency attached by ClinVar (database versions not stated): gnomAD exomes below 0.00001.
gnomAD v4.1: 2 of 1,614,098 alleles (0.00012%); highest among the groups gnomAD compares: Non-Finnish European, 0.00017%; no homozygotes.

Submissions (3):

Ambry Genetics
Classification: Uncertain significance for Hereditary cancer-predisposing syndrome. Last evaluated: 2026-08-13. Review status: criteria provided, single submitter. Criteria: Ambry Variant Classification Scheme 2023. Collection method: clinical testing. Allele origin: germline.
Comment: The p.I441V variant (also known as c.1321A>G), located in coding exon 9 of the BRCA1 gene, results from an A to G substitution at nucleotide position 1321. The isoleucine at codon 441 is replaced by valine, an amino acid with highly similar properties. This amino acid position is not well conserved in available vertebrate species. In addition, the in silico prediction for this alteration is inconclusive. Based on the available evidence, the clinical significance of this variant remains unclear.

University of Washington Department of Laboratory Medicine, University of Washington
Classification: Likely benign for Hereditary cancer-predisposing syndrome. Last evaluated: 2023-03-23. Review status: criteria provided, single submitter. Criteria: Dines et al. (Genet Med. 2020). Collection method: curation. Allele origin: germline.
Comment: Missense variant in a coldspot region where missense variants are very unlikely to be pathogenic (PMID:31911673).

BRCA1 coldspot (exon 11 using historical exon numbering). Reclassification based on statistical prior probability

Color Diagnostics, LLC DBA Color Health
Classification: Uncertain significance for Hereditary cancer-predisposing syndrome. Last evaluated: 2019-01-04. Review status: criteria provided, single submitter. Criteria: ACMG Guidelines, 2015. Collection method: clinical testing. Allele origin: germline.

NM_007294.4(BRCA1):c.1321A>G (p.Ile441Val)

Gene: BRCA1 (BRCA1 DNA repair associated; minus strand). Cytogenetic location: 17q21.31.
Variant type: single nucleotide variant.
Coding change: c.1321A>G on transcript NM_007294.4 (MANE Select); coding-DNA position 1321, A replaced by G.
Protein change: p.Ile441Val; replaces isoleucine 441 with valine.
Molecular consequence: missense variant. On other transcripts: intron variant (137).
Genome position (GRCh38, 1-based): chr17:43,094,210, T>C on the plus strand (A>G on the coding strand, the complement: BRCA1 is on the minus strand). VCF-style: chr17-43094210-T-C. GRCh37 (hg19) VCF-style: chr17-41246227-T-C.
Other names: c.1180A>G, p.Ile394Val (NM_001407694.1, NM_001407730.1, NM_001407731.1 and 29 more transcripts); c.1321A>G, p.Ile441Val (NM_001407603.1, NM_001407605.1, NM_001407625.1 and 30 more transcripts); c.1057A>G, p.Ile353Val (NM_001407927.1, NM_001407928.1, NM_001407929.1 and 9 more transcripts); c.1318A>G, p.Ile440Val (NM_001407610.1, NM_001407611.1, NM_001407612.1 and 22 more transcripts); c.1054A>G, p.Ile352Val (NM_001407930.1, NM_001407934.1, NM_001407936.1 and 2 more transcripts); c.1195A>G, p.Ile399Val (NM_001407941.1, NM_001407649.1, NM_001407670.1 and 11 more transcripts); c.1177A>G, p.Ile393Val (NM_001407943.1, NM_001407749.1, NM_001407838.1 and 20 more transcripts); c.988A>G, p.Ile330Val (NM_001407946.1, NM_001407947.1, NM_001407948.1 and 6 more transcripts); and 40 more; short protein forms I441V, I394V, I273V, I352V, I353V, I145V, I329V, I374V.
Identifiers: ClinVar variation 628756 (VCV000628756.7), dbSNP rs1567800029, ClinGen allele CA10599411.
Genomic context (GRCh38, chr17:43,094,210, plus strand): 5'-ATATTTTGTCTTCAATATTACTCTCTACTGATTTGGAGTGAACTCTTTCACTTTTACATA[T>C]TAAAGCCTCATGAGGATCACTGGCCAGTAAGTCTATTTTCTCTGAAGAACCAGAATATTC-3'
Protein context (NP_009225.1, residues 431-451): LLASDPHEAL[Ile441Val]CKSERVHSKS